The following is an entry in ClinVar:

NM_001690.4(ATP6V1A):c.217G>A (p.Val73Met)

Gene: ATP6V1A (ATPase H+ transporting V1 subunit A; plus strand). Cytogenetic location: 3q13.31.
Variant type: single nucleotide variant.
Coding change: c.217G>A on transcript NM_001690.4 (MANE Select); coding-DNA position 217, G replaced by A.
Protein change: p.Val73Met; replaces valine 73 with methionine.
Molecular consequence: missense variant.
Genome position (GRCh38, 1-based): chr3:113,784,229, G>A. VCF-style: chr3-113784229-G-A. GRCh37 (hg19) VCF-style: chr3-113503076-G-A.
Other names: short protein forms V73M.
Identifiers: ClinVar variation 1879586 (VCV001879586.29), dbSNP rs981146211, ClinGen allele CA354006962.
Genomic context (GRCh38, chr3:113,784,229, plus strand): 5'-TGTTAATTGTGTCTTTAAACCTTCATAGTAGGTTTTCCTTAGCTGCTGTTTTTAGCTGGT[G>A]TGTCTGTTGGAGATCCTGTACTTCGCACTGGTAAACCCCTCTCTGTAGAGCTTGGTCCTG-3'
Protein context (NP_001681.2, residues 63-83): TIQVYEETSG[Val73Met]SVGDPVLRTG

ClinVar aggregate classification (germline): Uncertain significance (1 of 4 stars; one submission).

Submission:

CeGaT Center for Human Genetics Tuebingen
Classification: Uncertain significance. Last evaluated: 2022-11-01. Review status: criteria provided, single submitter. Criteria: CeGaT Center For Human Genetics Tuebingen Variant Classification Criteria Version 2. Collection method: clinical testing. Allele origin: germline. Affected: yes. Observed: 1 variant allele.
Comment: ATP6V1A: PM2, PP2